The following is an entry in ClinVar:

NM_032119.4(ADGRV1):c.17298G>A (p.Lys5766=)

Gene: ADGRV1 (adhesion G protein-coupled receptor V1; plus strand). Cytogenetic location: 5q14.3.
Variant type: single nucleotide variant.
Coding change: c.17298G>A on transcript NM_032119.4 (MANE Select); coding-DNA position 17298, G replaced by A.
Protein change: p.Lys5766=; no amino-acid change (lysine 5766 retained).
Molecular consequence: synonymous variant. On other transcripts: non-coding transcript variant (1).
Genome position (GRCh38, 1-based): chr5:90,853,377, G>A. VCF-style: chr5-90853377-G-A. GRCh37 (hg19) VCF-style: chr5-90149194-G-A.
Other names: c.17298G>A (NM_032119.3).
Identifiers: ClinVar variation 1154192 (VCV001154192.11), dbSNP rs571159068, ClinGen allele CA3342341.

ClinVar aggregate classification (germline): Likely benign. Review status: criteria provided, multiple submitters, no conflicts (2 of 4 stars). 3 submissions from 3 submitters: Likely benign (3). Last evaluated 2026-03-30.

Conditions:
ADGRV1-related disorder. Also called: ADGRV1-related disorders; ADGRV1-related condition.

Allele frequency attached by ClinVar (database versions not stated): gnomAD exomes 0.00003 and 0.00012; ExAC 0.00009; gnomAD 0.00009 and 0.00006; 1000 Genomes Project 0.00060; 1000 Genomes Project 30x 0.00078; TOPMed 0.00008.
gnomAD v4.1: 53 of 1,613,552 alleles (0.0033%); highest among the groups gnomAD compares: East Asian, 0.11%; 1 homozygote.

Submissions (3):

PreventionGenetics, part of Exact Sciences
Classification: Likely benign for ADGRV1-related condition. Last evaluated: 2026-03-30. Review status: criteria provided, single submitter. Criteria: ACMG Guidelines, 2015. Collection method: clinical testing. Allele origin: germline.
Comment: This variant is classified as likely benign based on ACMG/AMP sequence variant interpretation guidelines (Richards et al. 2015 PMID: 25741868, with internal and published modifications).

Labcorp Genetics (formerly Invitae), Labcorp
Classification: Likely benign. Last evaluated: 2026-01-09. Review status: criteria provided, single submitter. Criteria: Invitae Variant Classification Sherloc (09022015). Collection method: clinical testing. Allele origin: germline.

Blueprint Genetics
Classification: Likely benign. Last evaluated: 2024-09-09. Review status: criteria provided, single submitter. Criteria: ACMG Guidelines, 2015. Collection method: clinical testing. Allele origin: germline.